The following is an entry in ClinVar:

NM_001886.3(CRYBA4):c.504C>G (p.His168Gln)

Gene: CRYBA4 (crystallin beta A4; plus strand). Cytogenetic location: 22q12.1.
Variant type: single nucleotide variant.
Coding change: c.504C>G on transcript NM_001886.3 (MANE Select); coding-DNA position 504, C replaced by G.
Protein change: p.His168Gln; replaces histidine 168 with glutamine.
Molecular consequence: missense variant.
Genome position (GRCh38, 1-based): chr22:26,630,400, C>G. VCF-style: chr22-26630400-C-G. GRCh37 (hg19) VCF-style: chr22-27026364-C-G.
Other names: short protein forms H168Q.
Identifiers: ClinVar variation 3019176 (VCV003019176.3), dbSNP rs1374906281, ClinGen allele CA411067824.
Genomic context (GRCh38, chr22:26,630,400, plus strand): 5'-CTGGGTTTGCTCCCAGTTTCCGGGCTACCGAGGATTTCAGTATGTGCTGGAATGCGATCA[C>G]CATTCCGGTGACTACAAACATTTCCGGGAGTGGGGCTCTCATGCCCCGACCTTCCAGGTG-3'
Protein context (NP_001877.1, residues 158-178): RGFQYVLECD[His168Gln]HSGDYKHFRE

ClinVar aggregate classification (germline): Uncertain significance (1 of 4 stars; one submission).

Conditions:
Cataract 23 (CTRCT23). Also called: Cataract 23, multiple types; CATARACT 23, LAMELLAR. Identifiers: Orphanet 91492, MedGen C3808012, MONDO:0012489, OMIM 610425.

Allele frequency attached by ClinVar (database versions not stated): TOPMed below 0.00001; gnomAD 0.00001.
gnomAD v4.1: 2 of 1,614,092 alleles (0.00012%); highest among the groups gnomAD compares: African/African-American, 0.0027%; no homozygotes.

Submission:

Labcorp Genetics (formerly Invitae), Labcorp
Classification: Uncertain significance for Cataract 23. Last evaluated: 2023-06-06. Review status: criteria provided, single submitter. Criteria: Invitae Variant Classification Sherloc (09022015). Collection method: clinical testing. Allele origin: germline.
Comment: This sequence change replaces histidine, which is basic and polar, with glutamine, which is neutral and polar, at codon 168 of the CRYBA4 protein (p.His168Gln). This variant is present in population databases (no rsID available, gnomAD 0.01%). This variant has not been reported in the literature in individuals affected with CRYBA4-related conditions. An algorithm developed to predict the effect of missense changes on protein structure and function (PolyPhen-2) suggests that this variant is likely to be tolerated. In summary, the available evidence is currently insufficient to determine the role of this variant in disease. Therefore, it has been classified as a Variant of Uncertain Significance.